The following is an entry in ClinVar:

NM_001875.5(CPS1):c.1363G>T (p.Glu455Ter)

Gene: CPS1 (carbamoyl-phosphate synthase 1; plus strand). Cytogenetic location: 2q34.
Variant type: single nucleotide variant.
Coding change: c.1363G>T on transcript NM_001875.5 (MANE Select); coding-DNA position 1363, G replaced by T.
Protein change: p.Glu455Ter; replaces glutamic acid 455 with a stop codon.
Molecular consequence: nonsense. On other transcripts: non-coding transcript variant (2).
Genome position (GRCh38, 1-based): chr2:210,599,375, G>T. VCF-style: chr2-210599375-G-T. GRCh37 (hg19) VCF-style: chr2-211464099-G-T.
Other names: c.1363G>T, p.Glu455Ter (NM_001122633.3, NM_001369257.1); c.1396G>T, p.Glu466Ter (NM_001369256.1); short protein forms E455*, E466*.
Identifiers: ClinVar variation 984182 (VCV000984182.3), dbSNP rs1698622742, ClinGen allele CA350435064.

ClinVar aggregate classification (germline): Likely pathogenic (1 of 4 stars; one submission).

Conditions:
Congenital hyperammonemia, type I. Also called: Carbamoyl phosphate synthetase I deficiency disease; Carbamoyl phosphate synthetase 1 deficiency; Hyperammonemia due to carbamoyl phosphate synthetase 1 deficiency; CPS 1 deficiency; Carbamyl phosphate synthetase (CPS) deficiency; Carbamoyl-phosphate synthase I deficiency. Identifiers: Orphanet 147, MedGen C4082171, MONDO:0009376, OMIM 237300.

Submission:

Myriad Genetics, Inc.
Classification: Likely pathogenic for Congenital hyperammonemia, type I. Last evaluated: 2019-07-03. Review status: criteria provided, single submitter. Criteria: Myriad Women's Health Autosomal Recessive and X-Linked Classification Criteria (2019). Collection method: clinical testing. Allele origin: unknown.
Comment: NM_001875.4(CPS1):c.1363G>T(E455*) is expected to be pathogenic in the context of carbamoylphosphate synthetase I deficiency. This variant is predicted to lead to an abnormal or absent protein product due to the creation of a premature termination codon in CPS1, a gene where loss-of-function variants are known to be pathogenic. Please note: this variant was assessed in the context of healthy population screening.